The following is an entry in ClinVar:

ClinVar aggregate classification (germline): Uncertain significance. Review status: criteria provided, multiple submitters, no conflicts (2 of 4 stars). 2 submissions from 2 submitters: Uncertain significance (2). Last evaluated 2023-08-24.

Conditions:
Multiple acyl-CoA dehydrogenase deficiency (MADD). Also called: Glutaric Acidemia type 2; ETHYLMALONIC-ADIPICACIDURIA; GA II; Glutaric aciduria, type 2; Glutaric acidemia type II; GA 2. Identifiers: Orphanet 26791, MedGen C0268596, MONDO:0009282, OMIM 231680.
ETFB-related disorder. Also called: ETFB-related condition.

Allele frequency attached by ClinVar (database versions not stated): gnomAD 0.00001.
gnomAD v4.1: 9 of 1,613,884 alleles (0.00056%); highest among the groups gnomAD compares: Non-Finnish European, 0.00068%; no homozygotes.

Submissions (2):

PreventionGenetics, part of Exact Sciences
Classification: Uncertain significance for ETFB-related condition. Last evaluated: 2023-08-24. Review status: criteria provided, single submitter. Criteria: ACMG Guidelines, 2015. Collection method: clinical testing. Allele origin: germline.
Comment: The ETFB c.244A>C variant is predicted to result in the amino acid substitution p.Ile82Leu. To our knowledge, this variant has not been reported in the literature or in a large population database, indicating this variant is rare. Of note, this variant affects the intron when annotated using the reportable MANE transcript (c.58-87A>C, NM_001985). At this time, the clinical significance of this variant is uncertain due to the absence of conclusive functional and genetic evidence.

Baylor Genetics
Classification: Uncertain significance for Multiple acyl-CoA dehydrogenase deficiency. Last evaluated: 2019-07-17. Review status: criteria provided, single submitter. Criteria: ACMG Guidelines, 2015. Collection method: clinical testing. Allele origin: unknown. Affected: yes.
Comment: This variant was determined to be of uncertain significance according to ACMG Guidelines, 2015 [PMID:25741868].

NM_001985.3(ETFB):c.58-87A>C

Gene: ETFB (electron transfer flavoprotein subunit beta; minus strand). Cytogenetic location: 19q13.41.
Variant type: single nucleotide variant.
Coding change: c.58-87A>C on transcript NM_001985.3 (MANE Select); 87 bases into the intron before coding-DNA position 58, A replaced by C.
Molecular consequence: intron variant. On other transcripts: missense variant (1).
Genome position (GRCh38, 1-based): chr19:51,354,395, T>G on the plus strand (A>C on the coding strand, the complement: ETFB is on the minus strand). VCF-style: chr19-51354395-T-G. GRCh37 (hg19) VCF-style: chr19-51857649-T-G.
Other names: c.244A>C, p.Ile82Leu (NM_001014763.1); short protein forms I82L.
Identifiers: ClinVar variation 1028938 (VCV001028938.2), dbSNP rs1986023015, ClinGen allele CA407083941.